The following is an entry in ClinVar:

ClinVar aggregate classification (germline): Uncertain significance (1 of 4 stars; one submission).

Conditions:
Infantile-onset X-linked spinal muscular atrophy. Also called: AMC, DISTAL, X-LINKED; ARTHROGRYPOSIS, X-LINKED, TYPE I; SPINAL MUSCULAR ATROPHY, X-LINKED LETHAL INFANTILE; Spinal muscular atrophy, X-linked 2; Spinal Muscular Atrophy, X-Linked Infantile. Identifiers: Orphanet 1145, MedGen C1844934, MONDO:0010532, OMIM 301830.

Allele frequency attached by ClinVar (database versions not stated): TOPMed below 0.00001; gnomAD 0.00001.
gnomAD v4.1: 1 of 1,193,198 alleles (0.000084%); highest among the groups gnomAD compares: Non-Finnish European, 0.00011%; no homozygotes.

Submission:

Labcorp Genetics (formerly Invitae), Labcorp
Classification: Uncertain significance for Infantile-onset X-linked spinal muscular atrophy. Last evaluated: 2023-07-18. Review status: criteria provided, single submitter. Criteria: Invitae Variant Classification Sherloc (09022015). Collection method: clinical testing. Allele origin: germline.
Comment: This sequence change falls in intron 15 of the UBA1 gene. It does not directly change the encoded amino acid sequence of the UBA1 protein. This variant is not present in population databases (gnomAD no frequency). This variant has not been reported in the literature in individuals affected with UBA1-related conditions. Algorithms developed to predict the effect of sequence changes on RNA splicing suggest that this variant may create or strengthen a splice site. In summary, the available evidence is currently insufficient to determine the role of this variant in disease. Therefore, it has been classified as a Variant of Uncertain Significance.

NM_003334.4(UBA1):c.1741+15G>A

Gene: UBA1 (ubiquitin like modifier activating enzyme 1; plus strand). Cytogenetic location: Xp11.3.
Variant type: single nucleotide variant.
Coding change: c.1741+15G>A on transcript NM_003334.4 (MANE Select); 15 bases into the intron after coding-DNA position 1741, G replaced by A.
Molecular consequence: intron variant.
Genome position (GRCh38, 1-based): chrX:47,206,128, G>A. VCF-style: chrX-47206128-G-A. GRCh37 (hg19) VCF-style: chrX-47065527-G-A.
Other names: c.1741+15G>A (NM_153280.3).
Identifiers: ClinVar variation 2799011 (VCV002799011.3), dbSNP rs1407467729, ClinGen allele CA641900376.